The following is an entry in ClinVar:

ClinVar aggregate classification (germline): Benign/Likely benign. Review status: criteria provided, multiple submitters, no conflicts (2 of 4 stars). 4 submissions from 4 submitters: Benign (3); Likely benign (1). Last evaluated 2026-02-02.

Allele frequency attached by ClinVar (database versions not stated): gnomAD exomes 0.00076 and 0.00200; ExAC 0.00420; 1000 Genomes Project 0.00779; gnomAD 0.00780 and 0.00845; 1000 Genomes Project 30x 0.00906; TOPMed 0.00906; ESP Exome Variant Server 0.01017.
gnomAD v4.1: 2,321 of 1,593,784 alleles (0.15%); highest among the groups gnomAD compares: African/African-American, 2.7%; 29 homozygotes.

Submissions (4):

Labcorp Genetics (formerly Invitae), Labcorp
Classification: Benign. Last evaluated: 2026-02-02. Review status: criteria provided, single submitter. Criteria: Invitae Variant Classification Sherloc (09022015). Collection method: clinical testing. Allele origin: germline.

Mayo Clinic Laboratories, Mayo Clinic
Classification: Benign. Last evaluated: 2025-05-06. Review status: criteria provided, single submitter. Criteria: ACMG Guidelines, 2015. Collection method: clinical testing. Allele origin: germline. Observed: 56 variant alleles.
Comment: BS1, BS2, BP4, BP7

Breakthrough Genomics
Classification: Likely benign. Review status: criteria provided, single submitter. Criteria: ACMG Guidelines, 2015. Collection method: not provided. Allele origin: germline. Inheritance: Autosomal recessive inheritance. Affected: yes.

PreventionGenetics, part of Exact Sciences
Classification: Benign. Review status: criteria provided, single submitter. Criteria: ACMG Guidelines, 2015. Collection method: clinical testing. Allele origin: germline.

NM_139027.6(ADAMTS13):c.3678G>A (p.Val1226=)

Gene: ADAMTS13 (ADAM metallopeptidase with thrombospondin type 1 motif 13; plus strand). Cytogenetic location: 9q34.2.
Variant type: single nucleotide variant.
Coding change: c.3678G>A on transcript NM_139027.6 (MANE Select); coding-DNA position 3678, G replaced by A.
Protein change: p.Val1226=; no amino-acid change (valine 1226 retained).
Molecular consequence: synonymous variant. On other transcripts: non-coding transcript variant (1).
Genome position (GRCh38, 1-based): chr9:133,456,673, G>A. VCF-style: chr9-133456673-G-A. GRCh37 (hg19) VCF-style: chr9-136321795-G-A.
Other names: p.Val1282=; c.3846G>A, p.Val1282= (NM_139025.5); c.3585G>A, p.Val1195= (NM_139026.6).
Identifiers: ClinVar variation 262448 (VCV000262448.16), dbSNP rs36222899, ClinGen allele CA10587049.
Genomic context (GRCh38, chr9:133,456,673, plus strand): 5'-CAGCTCCAAGACCAACACGCTGGTGGTGAGGCAGCGCTGCGGGCGGCCAGGAGGTGGGGT[G>A]CTGCTGCGGTATGGGAGCCAGCTTGCTCCTGAAACCTTCTACAGAGGTATGGCCAGGCCT-3'
Protein context (NP_620596.2, residues 1216-1236): RQRCGRPGGG[Val1226=]LLRYGSQLAP